The following is an entry in ClinVar:

ClinVar aggregate classification (germline): Likely benign. Review status: criteria provided, multiple submitters, no conflicts (2 of 4 stars). 5 submissions from 5 submitters: Likely benign (3). 2 of the submissions do not count toward it. Last evaluated 2026-09-23.

Conditions:
SCN10A-related disorder. Also called: SCN10A-related condition.
Brugada syndrome. Also called: Sudden unexpected nocturnal death syndrome; Sudden unexplained nocturnal death syndrome; Sudden Unexplained Death Syndrome; Sudden Unexplained Nocturnal Death Syndrome (SUNDS). Identifiers: Orphanet 130, MedGen C1142166, MONDO:0015263.

Allele frequency attached by ClinVar (database versions not stated): TOPMed 0.00003; ExAC 0.00005; gnomAD 0.00005 and 0.00006; gnomAD exomes 0.00008.
gnomAD v4.1: 129 of 1,613,926 alleles (0.008%); highest among the groups gnomAD compares: Non-Finnish European, 0.01%; no homozygotes.

Submissions (5):

PreventionGenetics, part of Exact Sciences
Classification: Likely benign for SCN10A-related condition. Last evaluated: 2026-09-23. Review status: criteria provided, single submitter. Criteria: ACMG Guidelines, 2015. Collection method: clinical testing. Allele origin: germline.
Comment: This variant is classified as likely benign based on ACMG/AMP sequence variant interpretation guidelines (Richards et al. 2015 PMID: 25741868, with internal and published modifications).

Labcorp Genetics (formerly Invitae), Labcorp
Classification: Likely benign for Brugada syndrome. Last evaluated: 2025-11-02. Review status: criteria provided, single submitter. Criteria: Invitae Variant Classification Sherloc (09022015). Collection method: clinical testing. Allele origin: germline.

GeneDx
Classification: Likely benign. Last evaluated: 2017-07-10. Review status: criteria provided, single submitter. Criteria: GeneDx Variant Classification (06012015). Collection method: clinical testing. Allele origin: germline. Affected: yes.
Comment: This variant is considered likely benign or benign based on one or more of the following criteria: it is a conservative change, it occurs at a poorly conserved position in the protein, it is predicted to be benign by multiple in silico algorithms, and/or has population frequency not consistent with disease.

Clinical Genetics, Academic Medical Center
Classification: Likely benign. Review status: no assertion criteria provided. Collection method: clinical testing. Allele origin: germline. Affected: yes. Study: VKGL Data-share Consensus. Not counted in ClinVar's aggregate classification.

Joint Genome Diagnostic Labs from Nijmegen and Maastricht, Radboudumc and MUMC+
Classification: Likely benign. Review status: no assertion criteria provided. Collection method: clinical testing. Allele origin: germline. Affected: yes. Study: VKGL Data-share Consensus. Not counted in ClinVar's aggregate classification.

NM_006514.4(SCN10A):c.1093-7C>A

Gene: SCN10A (sodium voltage-gated channel alpha subunit 10; minus strand). Cytogenetic location: 3p22.2.
Variant type: single nucleotide variant.
Coding change: c.1093-7C>A on transcript NM_006514.4 (MANE Select); 7 bases into the intron before coding-DNA position 1093, C replaced by A.
Molecular consequence: intron variant.
Genome position (GRCh38, 1-based): chr3:38,756,878, G>T on the plus strand (C>A on the coding strand, the complement: SCN10A is on the minus strand). VCF-style: chr3-38756878-G-T. GRCh37 (hg19) VCF-style: chr3-38798369-G-T.
Other names: c.1093-7C>A (NM_001293307.2, NM_001293306.2).
Identifiers: ClinVar variation 510622 (VCV000510622.12), dbSNP rs374658847, ClinGen allele CA2320959.
Genomic context (GRCh38, chr3:38,756,878, plus strand): 5'-GAAGATTACGAGCACAAAAAAGATCATATAGATTTTCCCAGAAGTCCTCAGGGTCTGCAG[G>T]TTCAAGGGAAAGAAGAGAAACCTGTACCCATAGCACATGGACCCCTGAATTTAAGTCAGC-3'